The following is an entry in ClinVar:

ClinVar aggregate classification (germline): Likely pathogenic (1 of 4 stars; one submission).

Conditions:
Hereditary spastic paraplegia 15 (SPG15). Also called: SPASTIC PARAPLEGIA 15, AUTOSOMAL RECESSIVE; KJELLIN SYNDROME; SPASTIC PARAPLEGIA AND RETINAL DEGENERATION. Identifiers: Orphanet 100996, MedGen C1849128, MONDO:0010044, OMIM 270700.

Submission:

Myriad Genetics, Inc.
Classification: Likely pathogenic for Hereditary spastic paraplegia 15. Last evaluated: 2022-03-30. Review status: criteria provided, single submitter. Criteria: Myriad Women's Health Autosomal Recessive and X-Linked Classification Criteria (2021). Collection method: clinical testing. Allele origin: unknown.
Comment: NM_015346.3(ZFYVE26):c.5590_5592delTGTinsA(C1864Rfs*5) is expected to be pathogenic in the context of spastic paraplegia type 15. This variant is predicted to lead to an abnormal or absent protein product due to the creation of a premature termination codon in ZFYVE26, a gene where loss-of-function variants are known to be pathogenic. Please note: this variant was assessed in the context of healthy population screening.

NM_015346.4(ZFYVE26):c.5590_5592delinsA (p.Cys1864fs)

Gene: ZFYVE26 (zinc finger FYVE-type containing 26; minus strand). Cytogenetic location: 14q24.1.
Variant type: Indel.
Coding change: c.5590_5592delinsA on transcript NM_015346.4 (MANE Select); coding-DNA positions 5590 to 5592, TGT replaced by A.
Protein change: p.Cys1864fs; shifts the reading frame from cysteine 1864.
Molecular consequence: frameshift variant.
Genome position (GRCh38, 1-based): chr14:67,769,623-67,769,625, ACA replaced by T on the plus strand (TGT replaced by A on the coding strand, the reverse complement: ZFYVE26 is on the minus strand). VCF-style: chr14-67769623-ACA-T. GRCh37 (hg19) VCF-style: chr14-68236340-ACA-T.
Other names: short protein forms C1864fs.
Identifiers: ClinVar variation 1725567 (VCV001725567.2), dbSNP rs2502765824, ClinGen allele CA2580088672.